The following is an entry in ClinVar:

ClinVar aggregate classification (germline): Uncertain significance. Review status: criteria provided, multiple submitters, no conflicts (2 of 4 stars). 2 submissions from 2 submitters: Uncertain significance (2). Last evaluated 2023-06-30.

Conditions:
Neurofibromatosis, type 1 (NF1). Also called: NEUROFIBROMATOSIS, TYPE I, SOMATIC; Peripheral type neurofibromatosis; VON RECKLINGHAUSEN DISEASE; Neurofibromatosis, type I. Identifiers: Orphanet 636, MedGen C0027831, MONDO:0018975, OMIM 162200. Disease mechanism: loss of function.

Submissions (2):

Labcorp Genetics (formerly Invitae), Labcorp
Classification: Uncertain significance for Neurofibromatosis, type 1. Last evaluated: 2023-06-30. Review status: criteria provided, single submitter. Criteria: Invitae Variant Classification Sherloc (09022015). Collection method: clinical testing. Allele origin: germline.
Comment: ClinVar contains an entry for this variant (Variation ID: 2498700). An algorithm developed to predict the effect of missense changes on protein structure and function (PolyPhen-2) suggests that this variant is likely to be tolerated. Variants that disrupt the consensus splice site are a relatively common cause of aberrant splicing (PMID: 17576681, 9536098). RNA analysis provides insufficient evidence to determine the effect of this variant on NF1 splicing (Invitae). In summary, the available evidence is currently insufficient to determine the role of this variant in disease. Therefore, it has been classified as a Variant of Uncertain Significance. This variant is not present in population databases (gnomAD no frequency). This variant has not been reported in the literature in individuals affected with NF1-related conditions. This sequence change replaces glutamine, which is neutral and polar, with histidine, which is basic and polar, at codon 20 of the NF1 protein (p.Gln20His). This variant also falls at the last nucleotide of exon 1, which is part of the consensus splice site for this exon.

CeGaT Center for Human Genetics Tuebingen
Classification: Uncertain significance. Last evaluated: 2023-01-01. Review status: criteria provided, single submitter. Criteria: CeGaT Center For Human Genetics Tuebingen Variant Classification Criteria Version 2. Collection method: clinical testing. Allele origin: germline. Affected: yes. Observed: 1 variant allele.
Comment: NF1: PM2, PP4, PS1:Supporting

Literature cited by the submitters: PubMed 17576681 (cited by Labcorp Genetics (formerly Invitae), Labcorp); PubMed 9536098 (cited by Labcorp Genetics (formerly Invitae), Labcorp).

NM_001042492.3(NF1):c.60G>T (p.Gln20His)

Genes: MIR4733HG (MIR4733 host gene; minus strand), NF1 (neurofibromin 1; plus strand), LOC111811965 (NF1 (neurofibromin 1) promoter region; plus strand). Cytogenetic location: 17q11.2.
Variant type: single nucleotide variant.
Coding change: c.60G>T on transcript NM_001042492.3 (MANE Select); coding-DNA position 60, G replaced by T.
Protein change: p.Gln20His; replaces glutamine 20 with histidine.
Molecular consequence: missense variant. On other transcripts: non-coding transcript variant (1).
Genome position (GRCh38, 1-based): chr17:31,095,369, G>T. VCF-style: chr17-31095369-G-T. GRCh37 (hg19) VCF-style: chr17-29422387-G-T.
Other names: c.60G>T, p.Gln20His (NM_000267.4, NM_001128147.3); short protein forms Q20H.
Identifiers: ClinVar variation 2498700 (VCV002498700.31), dbSNP rs1911559787, ClinGen allele CA398979442.
Genomic context (GRCh38, chr17:31,095,369, plus strand): 5'-CATGGCCGCGCACAGGCCGGTGGAATGGGTCCAGGCCGTGGTCAGCCGCTTCGACGAGCA[G>T]GTAACCGGCCCGTGGCGGGCGGGAGGTGGGAGCGGAGTGGGGGTGGGGACAGAGTAGGTG-3'
Protein context (NP_001035957.1, residues 10-30): VQAVVSRFDE[Gln20His]LPIKTGQQNT